The following is an entry in ClinVar:

NM_001394531.1(WDFY4):c.500T>C (p.Leu167Pro)

Gene: WDFY4 (WDFY family member 4; plus strand). Cytogenetic location: 10q11.23.
Variant type: single nucleotide variant.
Coding change: c.500T>C on transcript NM_001394531.1 (MANE Select); coding-DNA position 500, T replaced by C.
Protein change: p.Leu167Pro; replaces leucine 167 with proline.
Molecular consequence: missense variant.
Genome position (GRCh38, 1-based): chr10:48,723,476, T>C. VCF-style: chr10-48723476-T-C. GRCh37 (hg19) VCF-style: chr10-49931521-T-C.
Other names: c.500T>C, p.Leu167Pro (NM_001370153.1, NM_001370154.1, NM_020945.2); short protein forms L167P.
Identifiers: ClinVar variation 4990951 (VCV004990951.1).

ClinVar aggregate classification (germline): Uncertain significance (1 of 4 stars; one submission).

Conditions:
WDFY4-related disorder. Also called: WDFY4-related condition.

Submission:

PreventionGenetics, part of Exact Sciences
Classification: Uncertain significance for WDFY4-related condition. Last evaluated: 2025-10-12. Review status: criteria provided, single submitter. Criteria: ACMG Guidelines, 2015. Collection method: clinical testing. Allele origin: germline.
Comment: The WDFY4 c.500T>C variant is predicted to result in the amino acid substitution p.Leu167Pro. To our knowledge, this variant has not been reported in the literature or in a large population database (gnomAD), indicating this variant is rare. At this time, the clinical significance of this variant is uncertain due to the absence of conclusive functional and genetic evidence.